The following is an entry in ClinVar:

NM_014714.4(IFT140):c.1422_1423insAA (p.Arg475fs)

Genes: IFT140 (intraflagellar transport 140; minus strand), LOC105371046 (uncharacterized LOC105371046; plus strand). Cytogenetic location: 16p13.3.
Variant type: Insertion.
Coding change: c.1422_1423insAA on transcript NM_014714.4 (MANE Select); coding-DNA positions 1422 to 1423, AA inserted.
Protein change: p.Arg475fs; shifts the reading frame from arginine 475.
Molecular consequence: frameshift variant.
Genome position: GRCh38 VCF-style: chr16-1583323-G-GTT. GRCh37 (hg19) VCF-style: chr16-1633324-G-GTT.
Other names: short protein forms R475fs.
Identifiers: ClinVar variation 1184606 (VCV001184606.4), dbSNP rs2141800223, ClinGen allele CA2499223234.

ClinVar aggregate classification (germline): Pathogenic. Review status: criteria provided, multiple submitters, no conflicts (2 of 4 stars). 3 submissions from 3 submitters: Pathogenic (2). 1 of the submissions does not count toward it. Last evaluated 2025-08-08.

Conditions:
Saldino-Mainzer syndrome (SRTD9). Also called: CONORENAL SYNDROME; SHORT-RIB THORACIC DYSPLASIA 9 WITHOUT POLYDACTYLY; Renal dysplasia, retinal pigmentary dystrophy, cerebellar ataxia and skeletal dysplasia; short-rib thoracic dysplasia 9 with or without polydactyly. Identifiers: Orphanet 140969, MedGen C1849437, MONDO:0009964, OMIM 266920.
Retinitis pigmentosa 80 (RP80). Identifiers: MedGen C4540439, MONDO:0054708, OMIM 617781.
Cystic renal disease.

Submissions (3):

Genetics Laboratory, Great Ormond Street Hospital NHS Foundation Trust, North Thames Genomic Laboratory Hub
Classification: Pathogenic for Cystic renal disease. Last evaluated: 2025-08-08. Review status: criteria provided, single submitter. Criteria: ACGS Best Practice Guidelines for Variant Classification in Rare Disease 2024 v1.2. Collection method: clinical testing. Allele origin: germline. Affected: yes.
Comment: PS4_moderate, PM2_moderate, PVS1_very-strong

Fulgent Genetics
Classification: Pathogenic for Saldino-Mainzer syndrome; Retinitis pigmentosa 80. Last evaluated: 2024-01-30. Review status: criteria provided, single submitter. Criteria: ACMG Guidelines, 2015. Collection method: clinical testing. Allele origin: germline.

Genomics England Pilot Project, Genomics England
Classification: Pathogenic for Retinitis pigmentosa 80. Review status: no assertion criteria provided. Criteria: ACGS Guidelines, 2016. Collection method: clinical testing. Allele origin: germline. Affected: yes. Not counted in ClinVar's aggregate classification.